The following is an entry in ClinVar:

ClinVar aggregate classification (germline): Uncertain significance (1 of 4 stars; one submission).

Submission:

Labcorp Genetics (formerly Invitae), Labcorp
Classification: Uncertain significance. Last evaluated: 2019-08-24. Review status: criteria provided, single submitter. Criteria: Invitae Variant Classification Sherloc (09022015). Collection method: clinical testing. Allele origin: germline.
Comment: In summary, the available evidence is currently insufficient to determine the role of this variant in disease. Therefore, it has been classified as a Variant of Uncertain Significance. Algorithms developed to predict the effect of missense changes on protein structure and function (SIFT, PolyPhen-2, Align-GVGD) all suggest that this variant is likely to be tolerated, but these predictions have not been confirmed by published functional studies and their clinical significance is uncertain. This variant has not been reported in the literature in individuals with CACNA2D4-related conditions. This variant is not present in population databases (ExAC no frequency). This sequence change replaces threonine with serine at codon 874 of the CACNA2D4 protein (p.Thr874Ser). The threonine residue is weakly conserved and there is a small physicochemical difference between threonine and serine.

NM_172364.5(CACNA2D4):c.2621C>G (p.Thr874Ser)

Gene: CACNA2D4 (calcium voltage-gated channel auxiliary subunit alpha2delta 4; minus strand). Cytogenetic location: 12p13.33.
Variant type: single nucleotide variant.
Coding change: c.2621C>G on transcript NM_172364.5 (MANE Select); coding-DNA position 2621, C replaced by G.
Protein change: p.Thr874Ser; replaces threonine 874 with serine.
Molecular consequence: missense variant.
Genome position (GRCh38, 1-based): chr12:1,810,580, G>C on the plus strand (C>G on the coding strand, the complement: CACNA2D4 is on the minus strand). VCF-style: chr12-1810580-G-C. GRCh37 (hg19) VCF-style: chr12-1919746-G-C.
Other names: short protein forms T874S.
Identifiers: ClinVar variation 938485 (VCV000938485.9), dbSNP rs1863673956, ClinGen allele CA383350145.